The following is an entry in ClinVar:

NM_001283009.2(RTEL1):c.3112G>A (p.Asp1038Asn)

Genes: RTEL1 (regulator of telomere elongation helicase 1; plus strand), RTEL1-TNFRSF6B (RTEL1-TNFRSF6B readthrough (NMD candidate); plus strand). Cytogenetic location: 20q13.33.
Variant type: single nucleotide variant.
Coding change: c.3112G>A on transcript NM_001283009.2 (MANE Select); coding-DNA position 3112, G replaced by A.
Protein change: p.Asp1038Asn; replaces aspartic acid 1038 with asparagine.
Molecular consequence: missense variant. On other transcripts: non-coding transcript variant (1).
Genome position (GRCh38, 1-based): chr20:63,694,743, G>A. VCF-style: chr20-63694743-G-A. GRCh37 (hg19) VCF-style: chr20-62326096-G-A.
Other names: c.2443G>A, p.Asp815Asn (NM_001283010.1); c.3112G>A, p.Asp1038Asn (NM_016434.4); c.3184G>A, p.Asp1062Asn (NM_032957.5); short protein forms D1062N, D815N, D1038N.
Identifiers: ClinVar variation 4629561 (VCV004629561.1).
Genomic context (GRCh38, chr20:63,694,743, plus strand): 5'-GTGGGACTCTCAGTCCTCCACCCCAGCGCCACTCTGAGCCATGCTACTCCCACACCAGGA[G>A]ACCCTGGCAGCCAACCACAGTGGGGGTCTGGAGTGCCCAGAGCAGGGAAGCAGGGCCAGC-3'
Protein context (NP_001269938.1, residues 1028-1048): HLSPRPPPTG[Asp1038Asn]PGSQPQWGSG

ClinVar aggregate classification (germline): Uncertain significance (1 of 4 stars; one submission).

Conditions:
Inborn genetic diseases. Identifiers: MedGen C0950123, MeSH D030342.

Submission:

Ambry Genetics
Classification: Uncertain significance for Inborn genetic diseases. Last evaluated: 2025-10-22. Review status: criteria provided, single submitter. Criteria: Ambry Variant Classification Scheme 2023. Collection method: clinical testing. Allele origin: germline.
Comment: The p.D1038N variant (also known as c.3112G>A), located in coding exon 31 of the RTEL1 gene, results from a G to A substitution at nucleotide position 3112. The aspartic acid at codon 1038 is replaced by asparagine, an amino acid with highly similar properties. This amino acid position is conserved. In addition, this alteration is predicted to be tolerated by in silico analysis. Based on the available evidence, the clinical significance of this variant remains unclear.